The following is an entry in ClinVar:

ClinVar aggregate classification (germline): Uncertain significance. Review status: criteria provided, single submitter (1 of 4 stars). 2 submissions from 2 submitters: Uncertain significance (1). 1 of the submissions does not count toward it. Last evaluated 2023-07-17.

Conditions:
Retinal dystrophy. Also called: Inherited retinal dystrophy. Identifiers: Orphanet 71862, MedGen C0854723, MeSH D058499, MONDO:0019118, HP:0000556.

Allele frequency attached by ClinVar (database versions not stated): gnomAD exomes below 0.00001 and 0.00001; ExAC 0.00001; TOPMed 0.00001.
gnomAD v4.1: 7 of 1,614,116 alleles (0.00043%); highest among the groups gnomAD compares: East Asian, 0.0045%; no homozygotes.

Submissions (2):

Labcorp Genetics (formerly Invitae), Labcorp
Classification: Uncertain significance. Last evaluated: 2023-07-17. Review status: criteria provided, single submitter. Criteria: Invitae Variant Classification Sherloc (09022015). Collection method: clinical testing. Allele origin: germline.
Comment: In summary, the available evidence is currently insufficient to determine the role of this variant in disease. Therefore, it has been classified as a Variant of Uncertain Significance. This sequence change replaces arginine, which is basic and polar, with cysteine, which is neutral and slightly polar, at codon 503 of the CDH3 protein (p.Arg503Cys). This variant is present in population databases (rs375040740, gnomAD 0.01%). This variant has not been reported in the literature in individuals affected with CDH3-related conditions. ClinVar contains an entry for this variant (Variation ID: 1364184). Advanced modeling of protein sequence and biophysical properties (such as structural, functional, and spatial information, amino acid conservation, physicochemical variation, residue mobility, and thermodynamic stability) performed at Invitae indicates that this missense variant is expected to disrupt CDH3 protein function. This variant disrupts the p.Arg503 amino acid residue in CDH3. Other variant(s) that disrupt this residue have been determined to be pathogenic (PMID: 12445216, 14708629, 27386845, 30710256). This suggests that this residue is clinically significant, and that variants that disrupt this residue are likely to be disease-causing.

Institute of Human Genetics, Univ. Regensburg, Univ. Regensburg
Classification: Likely pathogenic for Retinal dystrophy. Last evaluated: 2019-01-01. Review status: no assertion criteria provided. Criteria: ACMG Guidelines, 2015. Collection method: clinical testing. Allele origin: germline. Affected: yes. Not counted in ClinVar's aggregate classification.

Literature cited by the submitters: PubMed 12445216 (cited by Labcorp Genetics (formerly Invitae), Labcorp); PubMed 14708629 (cited by Labcorp Genetics (formerly Invitae), Labcorp); PubMed 27386845 (cited by Labcorp Genetics (formerly Invitae), Labcorp); PubMed 30710256 (cited by Labcorp Genetics (formerly Invitae), Labcorp).

NM_001793.6(CDH3):c.1507C>T (p.Arg503Cys)

Gene: CDH3 (cadherin 3; plus strand). Cytogenetic location: 16q22.1.
Variant type: single nucleotide variant.
Coding change: c.1507C>T on transcript NM_001793.6 (MANE Select); coding-DNA position 1507, C replaced by T.
Protein change: p.Arg503Cys; replaces arginine 503 with cysteine.
Molecular consequence: missense variant.
Genome position (GRCh38, 1-based): chr16:68,685,287, C>T. VCF-style: chr16-68685287-C-T. GRCh37 (hg19) VCF-style: chr16-68719190-C-T.
Other names: c.1507C>T, p.Arg503Cys (NM_001317195.3); c.1342C>T, p.Arg448Cys (NM_001317196.2); short protein forms R448C, R503C.
Identifiers: ClinVar variation 1364184 (VCV001364184.9), dbSNP rs375040740, ClinGen allele CA8129382.